The following is an entry in ClinVar:

ClinVar aggregate classification (germline): Uncertain significance. Review status: criteria provided, multiple submitters, no conflicts (2 of 4 stars). 2 submissions from 2 submitters: Uncertain significance (2). Last evaluated 2025-02-25.

Conditions:
Inborn genetic diseases. Identifiers: MedGen C0950123, MeSH D030342.
Combined immunodeficiency due to DOCK8 deficiency (HIES2). Also called: Hyper-IgE recurrent infection syndrome, autosomal recessive; HIES autosomal recessive; DOCK8 Deficiency; HYPER-IgE RECURRENT INFECTION SYNDROME 2, AUTOSOMAL RECESSIVE; HYPER-IgE SYNDROME 2, AUTOSOMAL RECESSIVE, WITH RECURRENT INFECTIONS. Identifiers: Orphanet 217390, MedGen C4722305, MONDO:0009478, OMIM 243700.

Allele frequency attached by ClinVar (database versions not stated): TOPMed below 0.00001; gnomAD exomes 0.00001.
gnomAD v4.1: 14 of 1,613,414 alleles (0.00087%); highest among the groups gnomAD compares: South Asian, 0.0011%; no homozygotes.

Submissions (2):

Ambry Genetics
Classification: Uncertain significance for Inborn genetic diseases. Last evaluated: 2025-02-25. Review status: criteria provided, single submitter. Criteria: Ambry Variant Classification Scheme 2023. Collection method: clinical testing. Allele origin: germline.

Labcorp Genetics (formerly Invitae), Labcorp
Classification: Uncertain significance for Combined immunodeficiency due to DOCK8 deficiency. Last evaluated: 2021-09-05. Review status: criteria provided, single submitter. Criteria: Invitae Variant Classification Sherloc (09022015). Collection method: clinical testing. Allele origin: germline.
Comment: This sequence change replaces alanine with threonine at codon 702 of the DOCK8 protein (p.Ala702Thr). The alanine residue is moderately conserved and there is a small physicochemical difference between alanine and threonine. This variant is not present in population databases (ExAC no frequency). This variant has not been reported in the literature in individuals affected with DOCK8-related conditions. Algorithms developed to predict the effect of missense changes on protein structure and function are either unavailable or do not agree on the potential impact of this missense change (SIFT: "Tolerated"; PolyPhen-2: "Possibly Damaging"; Align-GVGD: "Class C0"). In summary, the available evidence is currently insufficient to determine the role of this variant in disease. Therefore, it has been classified as a Variant of Uncertain Significance.

NM_203447.4(DOCK8):c.2104G>A (p.Ala702Thr)

Gene: DOCK8 (dedicator of cytokinesis 8; plus strand). Cytogenetic location: 9p24.3.
Variant type: single nucleotide variant.
Coding change: c.2104G>A on transcript NM_203447.4 (MANE Select); coding-DNA position 2104, G replaced by A.
Protein change: p.Ala702Thr; replaces alanine 702 with threonine.
Molecular consequence: missense variant.
Genome position (GRCh38, 1-based): chr9:372,281, G>A. VCF-style: chr9-372281-G-A. GRCh37 (hg19) VCF-style: chr9-372281-G-A.
Other names: c.2104G>A (NM_203447.3); c.1900G>A, p.Ala634Thr (NM_001193536.2, NM_001190458.2); short protein forms A634T, A702T.
Identifiers: ClinVar variation 1363473 (VCV001363473.7), dbSNP rs2053325008, ClinGen allele CA372762112.